The following is an entry in ClinVar:

NM_004204.5(PIGQ):c.821+74C>T

Gene: PIGQ (phosphatidylinositol glycan anchor biosynthesis class Q; plus strand). Cytogenetic location: 16p13.3.
Variant type: single nucleotide variant.
Coding change: c.821+74C>T on transcript NM_004204.5 (MANE Select); 74 bases into the intron after coding-DNA position 821, C replaced by T.
Molecular consequence: intron variant.
Genome position (GRCh38, 1-based): chr16:576,044, C>T. VCF-style: chr16-576044-C-T. GRCh37 (hg19) VCF-style: chr16-626044-C-T.
Other names: c.821+74C>T (NM_148920.4).
Identifiers: ClinVar variation 3239156 (VCV003239156.19), dbSNP rs867980784.

ClinVar aggregate classification (germline): Uncertain significance (1 of 4 stars; one submission).

Allele frequency attached by ClinVar (database versions not stated): gnomAD exomes 0.00001; TOPMed 0.00001; gnomAD 0.00002.
gnomAD v4.1: 26 of 1,546,738 alleles (0.0017%); highest among the groups gnomAD compares: Middle Eastern, 0.017%; no homozygotes.

Submission:

CeGaT Center for Human Genetics Tuebingen
Classification: Uncertain significance. Last evaluated: 2026-01-01. Review status: criteria provided, single submitter. Criteria: CeGaT Center For Human Genetics Tuebingen Variant Classification Criteria Version 2. Collection method: clinical testing. Allele origin: germline. Affected: yes. Observed: 2 variant alleles.
Comment: PIGQ: PM2, BP4